The following is an entry in ClinVar:

ClinVar aggregate classification (germline): Uncertain significance (1 of 4 stars; one submission).

Conditions:
Alpha thalassemia-X-linked intellectual disability syndrome (ATRX). Also called: ALPHA-THALASSEMIA/MENTAL RETARDATION SYNDROME, X-LINKED; ATR, NONDELETION TYPE; ATR-X syndrome; Alpha thalassemia mental retardation syndrome, nondeletion type, X-linked; XLMR hypotonic face syndrome; X-linked alpha-thalassemia-mental retardation syndrome. Identifiers: Orphanet 847, MedGen C1845055, MONDO:0010519, OMIM 301040.

Submission:

Labcorp Genetics (formerly Invitae), Labcorp
Classification: Uncertain significance for Alpha thalassemia-X-linked intellectual disability syndrome. Last evaluated: 2019-05-04. Review status: criteria provided, single submitter. Criteria: Invitae Variant Classification Sherloc (09022015). Collection method: clinical testing. Allele origin: germline.
Comment: In summary, the available evidence is currently insufficient to determine the role of this variant in disease. Therefore, it has been classified as a Variant of Uncertain Significance. Algorithms developed to predict the effect of missense changes on protein structure and function are either unavailable or do not agree on the potential impact of this missense change (SIFT: "Deleterious"; PolyPhen-2: "Possibly Damaging"; Align-GVGD: "Class C0"). This variant has not been reported in the literature in individuals with ATRX-related conditions. This variant is not present in population databases (ExAC no frequency). This sequence change replaces glutamic acid with valine at codon 447 of the ATRX protein (p.Glu447Val). The glutamic acid residue is moderately conserved and there is a moderate physicochemical difference between glutamic acid and valine.

NM_000489.6(ATRX):c.1340A>T (p.Glu447Val)

Gene: ATRX (ATRX chromatin remodeler; minus strand). Cytogenetic location: Xq21.1.
Variant type: single nucleotide variant.
Coding change: c.1340A>T on transcript NM_000489.6 (MANE Select); coding-DNA position 1340, A replaced by T.
Protein change: p.Glu447Val; replaces glutamic acid 447 with valine.
Molecular consequence: missense variant.
Genome position (GRCh38, 1-based): chrX:77,683,916, T>A on the plus strand (A>T on the coding strand, the complement: ATRX is on the minus strand). VCF-style: chrX-77683916-T-A. GRCh37 (hg19) VCF-style: chrX-76939408-T-A.
Other names: c.1226A>T, p.Glu409Val (NM_138270.5); short protein forms E409V, E447V.
Identifiers: ClinVar variation 949918 (VCV000949918.10), dbSNP rs2071404188, ClinGen allele CA413718457.